The following is an entry in ClinVar:

ClinVar aggregate classification (germline): Benign. Review status: criteria provided, multiple submitters, no conflicts (2 of 4 stars). 6 submissions from 6 submitters: Benign (5). 1 of the submissions does not count toward it. Last evaluated 2026-02-02.

Conditions:
Dubin-Johnson syndrome (DJS). Also called: HYPERBILIRUBINEMIA, DUBIN-JOHNSON TYPE; Jaundice, Chronic Idiopathic; Hyperbilirubinemia type 2. Identifiers: Orphanet 234, MedGen C0022350, MONDO:0009380, OMIM 237500.
ABCC2-related disorder. Also called: ABCC2-related condition.

Allele frequency attached by ClinVar (database versions not stated): gnomAD exomes 0.00292 and 0.00766; ExAC 0.00999; gnomAD 0.03003 and 0.03237; 1000 Genomes Project 0.03195; 1000 Genomes Project 30x 0.03326; ESP Exome Variant Server 0.03352; TOPMed 0.03417.
gnomAD v4.1: 9,041 of 1,613,268 alleles (0.56%); highest among the groups gnomAD compares: African/African-American, 10%; 439 homozygotes.

Submissions (6):

Labcorp Genetics (formerly Invitae), Labcorp
Classification: Benign. Last evaluated: 2026-02-02. Review status: criteria provided, single submitter. Criteria: Invitae Variant Classification Sherloc (09022015). Collection method: clinical testing. Allele origin: germline.

Mayo Clinic Laboratories, Mayo Clinic
Classification: Benign. Last evaluated: 2022-04-29. Review status: criteria provided, single submitter. Criteria: ACMG Guidelines, 2015. Collection method: clinical testing. Allele origin: germline. Observed: 19 variant alleles.

GeneDx
Classification: Benign. Last evaluated: 2021-06-09. Review status: criteria provided, single submitter. Criteria: GeneDx Variant Classification Process June 2021. Collection method: clinical testing. Allele origin: germline. Affected: yes.

Illumina Laboratory Services, Illumina
Classification: Benign for Dubin-Johnson syndrome. Last evaluated: 2018-01-13. Review status: criteria provided, single submitter. Criteria: ICSL Variant Classification Criteria 13 December 2019. Collection method: clinical testing. Allele origin: germline.
Comment: This variant was observed in the ICSL laboratory as part of a predisposition screen in an ostensibly healthy population. It had not been previously curated by ICSL or reported in the Human Gene Mutation Database (HGMD: prior to June 1st, 2018), and was therefore a candidate for classification through an automated scoring system. Utilizing variant allele frequency, disease prevalence and penetrance estimates, and inheritance mode, an automated score was calculated to assess if this variant is too frequent to cause the disease. Based on the score and internal cut-off values, a variant classified as benign is not then subjected to further curation. The score for this variant resulted in a classification of benign for this disease.

Breakthrough Genomics
Classification: Benign. Review status: criteria provided, single submitter. Criteria: ACMG Guidelines, 2015. Collection method: not provided. Allele origin: germline. Inheritance: Autosomal recessive inheritance. Affected: yes.

PreventionGenetics, part of Exact Sciences
Classification: Benign for ABCC2-related condition. Last evaluated: 2019-11-25. Review status: no assertion criteria provided. Collection method: clinical testing. Allele origin: germline. Not counted in ClinVar's aggregate classification.
Comment: This variant is classified as benign based on ACMG/AMP sequence variant interpretation guidelines (Richards et al. 2015 PMID: 25741868, with internal and published modifications).

NM_000392.5(ABCC2):c.4110C>T (p.Leu1370=)

Gene: ABCC2 (ATP binding cassette subfamily C member 2; plus strand). Cytogenetic location: 10q24.2.
Variant type: single nucleotide variant.
Coding change: c.4110C>T on transcript NM_000392.5 (MANE Select); coding-DNA position 4110, C replaced by T.
Protein change: p.Leu1370=; no amino-acid change (leucine 1370 retained).
Molecular consequence: synonymous variant.
Genome position (GRCh38, 1-based): chr10:99,845,746, C>T. VCF-style: chr10-99845746-C-T. GRCh37 (hg19) VCF-style: chr10-101605503-C-T.
Other names: p.Leu1370=; c.4110C>T, p.Leu1370= (LRG_1208t1).
Identifiers: ClinVar variation 298473 (VCV000298473.18), dbSNP rs7899457, ClinGen allele CA5644033.